The following is an entry in ClinVar:

NM_001042492.3(NF1):c.4822T>G (p.Tyr1608Asp)

Gene: NF1 (neurofibromin 1; plus strand). Cytogenetic location: 17q11.2.
Variant type: single nucleotide variant.
Coding change: c.4822T>G on transcript NM_001042492.3 (MANE Select); coding-DNA position 4822, T replaced by G.
Protein change: p.Tyr1608Asp; replaces tyrosine 1608 with aspartic acid.
Molecular consequence: missense variant.
Genome position (GRCh38, 1-based): chr17:31,265,326, T>G. VCF-style: chr17-31265326-T-G. GRCh37 (hg19) VCF-style: chr17-29592344-T-G.
Other names: c.4759T>G, p.Tyr1587Asp (NM_000267.4); short protein forms Y1608D, Y1587D.
Identifiers: ClinVar variation 850565 (VCV000850565.10), dbSNP rs2067766985, ClinGen allele CA399001368.

ClinVar aggregate classification (germline): Conflicting classifications of pathogenicity. Review status: criteria provided, conflicting classifications (1 of 4 stars). 2 submissions from 2 submitters: Likely pathogenic (1); Uncertain significance (1). Last evaluated 2025-07-10.

Conditions:
Cardiovascular phenotype. Identifiers: MedGen CN230736.
Hereditary cancer-predisposing syndrome. Also called: Neoplastic Syndromes, Hereditary; Hereditary Cancer Syndrome; Hereditary neoplastic syndrome; Tumor predisposition. Identifiers: Orphanet 140162, MedGen C0027672, MeSH D009386, MONDO:0015356.
Neurofibromatosis, type 1 (NF1). Also called: Neurofibromatosis, type I; VON RECKLINGHAUSEN DISEASE; Peripheral type neurofibromatosis; NEUROFIBROMATOSIS, TYPE I, SOMATIC. Identifiers: Orphanet 636, MedGen C0027831, MONDO:0018975, OMIM 162200. Disease mechanism: loss of function.

Submissions (2):

Ambry Genetics
Classification: Likely pathogenic for Cardiovascular phenotype; Hereditary cancer-predisposing syndrome. Last evaluated: 2025-07-10. Review status: criteria provided, single submitter. Criteria: Ambry Variant Classification Scheme 2023. Collection method: clinical testing. Allele origin: germline.
Comment: The p.Y1587D variant (also known as c.4759T>G), located in coding exon 35 of the NF1 gene, results from a T to G substitution at nucleotide position 4759. The tyrosine at codon 1587 is replaced by aspartic acid, an amino acid with highly dissimilar properties. This variant was reported in individual(s) with features consistent with neurofibromatosis type 1 (Ambry internal data). Based on internal structural analysis, this variant is mildly destabilizing to the local structure and likely interferes with the structure of the lipid binding pocket of NF1 (D'Angelo I et al. EMBO Rep, 2006 Feb;7:174-9; Naschberger A et al. Nature, 2021 Nov;599:315-319). This missense alteration is located in a region that has a low rate of benign missense variation (Lek M et al. Nature. 2016 Aug 18;536(7616):285-91; DECIPHER: Database of Chromosomal Imbalance and Phenotype in Humans using Ensembl Resources. Firth H.V. et al. 2009. Am.J.Hum.Genet. 84, 524-533 (DOI)). This amino acid position is highly conserved in available vertebrate species. In addition, this alteration is predicted to be deleterious by in silico analysis. This variant is considered to be rare based on population cohorts in the Genome Aggregation Database (gnomAD). Based on the majority of available evidence to date, this variant is likely to be pathogenic.

Labcorp Genetics (formerly Invitae), Labcorp
Classification: Uncertain significance for Neurofibromatosis, type 1. Last evaluated: 2019-11-26. Review status: criteria provided, single submitter. Criteria: Invitae Variant Classification Sherloc (09022015). Collection method: clinical testing. Allele origin: germline.
Comment: In summary, the available evidence is currently insufficient to determine the role of this variant in disease. Therefore, it has been classified as a Variant of Uncertain Significance. Algorithms developed to predict the effect of missense changes on protein structure and function are either unavailable or do not agree on the potential impact of this missense change (SIFT: "Deleterious"; PolyPhen-2: "Probably Damaging"; Align-GVGD: "Class C0"). This variant has not been reported in the literature in individuals with NF1-related conditions. This variant is not present in population databases (ExAC no frequency). This sequence change replaces tyrosine with aspartic acid at codon 1587 of the NF1 protein (p.Tyr1587Asp). The tyrosine residue is moderately conserved and there is a large physicochemical difference between tyrosine and aspartic acid.

Literature cited by the submitters: PubMed 16397625 (cited by Ambry Genetics); PubMed 34707296 (cited by Ambry Genetics).